The following is an entry in ClinVar:

NM_000222.3(KIT):c.1670_1714del (p.Trp557_Asp572delinsTyr)

Gene: KIT (KIT proto-oncogene, receptor tyrosine kinase; plus strand). Cytogenetic location: 4q12.
Variant type: Deletion.
Coding change: c.1670_1714del on transcript NM_000222.3 (MANE Select); coding-DNA positions 1670 to 1714, 45 bases deleted.
Protein change: p.Trp557_Asp572delinsTyr.
Molecular consequence: inframe indel.
Genome position (GRCh38, 1-based): chr4:54,727,438-54,727,482, 45 bases deleted. GRCh37 (hg19): chr4:55,593,604-55,593,648.
Other names: c.1658_1702del, p.Trp553_Asp568delinsTyr (NM_001093772.2, NM_001385286.1); c.1673_1717del, p.Trp558_Asp573delinsTyr (NM_001385284.1, NM_001385290.1); c.1670_1714del, p.Trp557_Asp572delinsTyr (NM_001385285.1); c.1661_1705del, p.Trp554_Asp569delinsTyr (NM_001385288.1, NM_001385292.1).
Identifiers: ClinVar variation 4530488 (VCV004530488.1).

ClinVar aggregate classification (somatic clinical impact): Tier I - Strong (1 of 4 stars; one submission).

Conditions:
Gastrointestinal stromal tumor. Also called: Gastrointestinal stromal tumor, somatic; Gastrointestinal stroma tumor. Identifiers: Orphanet 44890, MedGen C0238198, MeSH D046152, MONDO:0011719, OMIM 606764, HP:0100723.

Submission:

Institute for Genomic Medicine (IGM) Clinical Laboratory, Nationwide Children's Hospital
Classification: Tier I - Strong for Gastrointestinal stromal tumor. Assertion type: diagnostic. Clinical significance: supports diagnosis. Last evaluated: 2023-07-20. Review status: criteria provided, single submitter. Criteria: AMP/ASCO/CAP Guidelines, 2017. Collection method: clinical testing. Allele origin: somatic. Affected: yes.
Comment: Variant has Tier I (strong) clinical significance as a diagnostic inclusion criterion in gastrointestinal stromal tumor, based on the following evidence: 1) Documented in one or more cancer databases (e.g., St. Jude Pecan, COSMIC, CIViC, OncoKB). 2) Appears in one or more well-established professional guidelines (e.g., World Health Organization [WHO]; National Comprehensive Cancer Network [NCCN]) as providing diagnostic, prognostic, or therapeutic information. 3) Information in the literature supports potential biologic effect of variant (PMID: 9438854). 4) Diagnostic for a specific tumor type/classification according to professional guidelines (Evidence Level A; PMIDs: 9438854, 11719439, 21953054).

Literature cited by the submitters: PubMed 9438854; PubMed 11719439; PubMed 21953054.